The following is an entry in ClinVar:

ClinVar aggregate classification (germline): Uncertain significance. Review status: criteria provided, single submitter (1 of 4 stars). 2 submissions from 2 submitters: Uncertain significance (1). 1 of the submissions does not count toward it. Last evaluated 2024-11-01.

Conditions:
Hypomyelination with brain stem and spinal cord involvement and leg spasticity. Also called: ASPARTYL-tRNA SYNTHETASE DEFICIENCY; Hypomyelination with brainstem and spinal cord involvement and leg spasticity. Identifiers: Orphanet 363412, MedGen C4755254, MONDO:0014115, OMIM 615281.

Allele frequency attached by ClinVar (database versions not stated): ExAC 0.00001; gnomAD 0.00001; gnomAD exomes 0.00002.
gnomAD v4.1: 11 of 1,613,182 alleles (0.00068%); highest among the groups gnomAD compares: Admixed American, 0.0067%; no homozygotes.

Submissions (2):

Blueprint Genetics
Classification: Uncertain significance. Last evaluated: 2024-11-01. Review status: criteria provided, single submitter. Criteria: ACMG Guidelines, 2015. Collection method: clinical testing. Allele origin: germline.

Undiagnosed Diseases Program Translational Research Laboratory, National Institutes of Health
Classification: Pathogenic for Hypomyelination with brainstem and spinal cord involvement and leg spasticity. Review status: no assertion criteria provided. Collection method: not provided. Allele origin: inherited. Not counted in ClinVar's aggregate classification.
ClinVar note: Converted during submission from pathogenic to Pathogenic.

NM_001349.4(DARS1):c.839A>T (p.His280Leu)

Gene: DARS1 (aspartyl-tRNA synthetase 1; minus strand). Cytogenetic location: 2q21.3.
Variant type: single nucleotide variant.
Coding change: c.839A>T on transcript NM_001349.4 (MANE Select); coding-DNA position 839, A replaced by T.
Protein change: p.His280Leu; replaces histidine 280 with leucine.
Molecular consequence: missense variant.
Genome position (GRCh38, 1-based): chr2:135,920,573, T>A on the plus strand (A>T on the coding strand, the complement: DARS1 is on the minus strand). VCF-style: chr2-135920573-T-A. GRCh37 (hg19) VCF-style: chr2-136678143-T-A.
Other names: c.539A>T, p.His180Leu (NM_001293312.1); short protein forms H280L, H180L.
Identifiers: ClinVar variation 143190 (VCV000143190.3), dbSNP rs527236040, ClinGen allele CA170090.